The following is an entry in ClinVar:

ClinVar aggregate classification (germline): Uncertain significance (1 of 4 stars; one submission).

Conditions:
Neuroblastoma, susceptibility to, 3. Also called: ALK-Related Neuroblastic Tumor Susceptibility. Identifiers: Orphanet 635, MedGen C2751681, MONDO:0013083, OMIM 613014.

Submission:

Labcorp Genetics (formerly Invitae), Labcorp
Classification: Uncertain significance for Neuroblastoma, susceptibility to, 3. Last evaluated: 2023-07-14. Review status: criteria provided, single submitter. Criteria: Invitae Variant Classification Sherloc (09022015). Collection method: clinical testing. Allele origin: unknown.
Comment: This variant results in the deletion of part of exon 24 (c.3645+3309_3702del) of the ALK gene. It is expected to disrupt RNA splicing. Variants that disrupt the donor or acceptor splice site typically lead to a loss of protein function (PMID: 16199547), however the current clinical and genetic evidence is not sufficient to establish whether loss-of-function variants in ALK cause disease. This variant has not been reported in the literature in individuals affected with ALK-related conditions. In summary, the available evidence is currently insufficient to determine the role of this variant in disease. Therefore, it has been classified as a Variant of Uncertain Significance.

Literature cited by the submitters: PubMed 16199547.

NC_000002.11:g.(?_29436891)_(29440263_?)del

Gene: ALK (ALK receptor tyrosine kinase; minus strand). Cytogenetic location: 2p23.2.
Variant type: Deletion.
Identifiers: ClinVar variation 3247362 (VCV003247362.1).